The following is an entry in ClinVar:

ClinVar aggregate classification (germline): Uncertain significance (1 of 4 stars; one submission).

Conditions:
Inborn genetic diseases. Identifiers: MedGen C0950123, MeSH D030342.

Submission:

Ambry Genetics
Classification: Uncertain significance for Inborn genetic diseases. Last evaluated: 2025-10-26. Review status: criteria provided, single submitter. Criteria: Ambry Variant Classification Scheme 2023. Collection method: clinical testing. Allele origin: germline.
Comment: The p.V243F variant (also known as c.727G>T), located in coding exon 8 of the FANCA gene, results from a G to T substitution at nucleotide position 727. The valine at codon 243 is replaced by phenylalanine, an amino acid with highly similar properties. This amino acid position is conserved. In addition, this alteration is predicted to be tolerated by in silico analysis. Based on the available evidence, the clinical significance of this variant remains unclear.

NM_000135.4(FANCA):c.727G>T (p.Val243Phe)

Gene: FANCA (FA complementation group A; minus strand). Cytogenetic location: 16q24.3.
Variant type: single nucleotide variant.
Coding change: c.727G>T on transcript NM_000135.4 (MANE Select); coding-DNA position 727, G replaced by T.
Protein change: p.Val243Phe; replaces valine 243 with phenylalanine.
Molecular consequence: missense variant.
Genome position (GRCh38, 1-based): chr16:89,803,324, C>A on the plus strand (G>T on the coding strand, the complement: FANCA is on the minus strand). VCF-style: chr16-89803324-C-A. GRCh37 (hg19) VCF-style: chr16-89869732-C-A.
Other names: c.727G>T, p.Val243Phe (NM_001018112.3, NM_001286167.3); c.631G>T, p.Val211Phe (NM_001351830.2); short protein forms V211F, V243F.
Identifiers: ClinVar variation 4619224 (VCV004619224.1).
Genomic context (GRCh38, chr16:89,803,324, plus strand): 5'-GCATTTTTTCAGGCTCCACAGTTCTTCTCAGATCTGAGTTTTTCTGAAATCCCCTCAAAA[C>A]AAACATTTGAACAAAATCTGAAAAACCATAAAACCAAAGTTATTTATGGACATCATGGTC-3'
Protein context (NP_000126.2, residues 233-253): AMLSDFVQMF[Val243Phe]LRGFQKNSDL